The following is an entry in ClinVar:

NM_000051.4(ATM):c.1571G>A (p.Trp524Ter)

Gene: ATM (ATM serine/threonine kinase; plus strand). Cytogenetic location: 11q22.3.
Variant type: single nucleotide variant.
Coding change: c.1571G>A on transcript NM_000051.4 (MANE Select); coding-DNA position 1571, G replaced by A.
Protein change: p.Trp524Ter; replaces tryptophan 524 with a stop codon.
Molecular consequence: nonsense.
Genome position (GRCh38, 1-based): chr11:108,251,036, G>A. VCF-style: chr11-108251036-G-A. GRCh37 (hg19) VCF-style: chr11-108121763-G-A.
Other names: c.1571G>A, p.Trp524Ter (NM_001351834.2); short protein forms W524*.
Identifiers: ClinVar variation 844899 (VCV000844899.10), dbSNP rs2080119161, ClinGen allele CA382534381.
Genomic context (GRCh38, chr11:108,251,036, plus strand): 5'-ACTTTGGCTTACTTGGAGCCATAATTCAGGGTAGTTTAGTTGAGGTTGACAGAGAATTCT[G>A]GAAGTTATTTACTGGGTCAGCCTGCAGACCTTCATGGTAAGTTCAGCATGCATTATGTCT-3'

ClinVar aggregate classification (germline): Pathogenic. Review status: criteria provided, multiple submitters, no conflicts (2 of 4 stars). 2 submissions from 2 submitters: Pathogenic (2). Last evaluated 2026-02-09.

Conditions:
Hereditary cancer-predisposing syndrome. Also called: Hereditary Cancer Syndrome; Tumor predisposition; Neoplastic Syndromes, Hereditary; Hereditary neoplastic syndrome. Identifiers: Orphanet 140162, MedGen C0027672, MeSH D009386, MONDO:0015356.
Ataxia-telangiectasia syndrome (AT). Also called: LOUIS-BAR SYNDROME; Ataxia telangiectasia (A-T); AT, COMPLEMENTATION GROUP C; Ataxia-telangiectasia, complementation group E; Cerebello-oculocutaneous telangiectasia; Immunodeficiency with ataxia telangiectasia. Identifiers: Orphanet 100, MedGen C0004135, MONDO:0008840, OMIM 208900.

Submissions (2):

Ambry Genetics
Classification: Pathogenic for Hereditary cancer-predisposing syndrome. Last evaluated: 2026-02-09. Review status: criteria provided, single submitter. Criteria: Ambry Variant Classification Scheme 2023. Collection method: clinical testing. Allele origin: germline.
Comment: The p.W524* pathogenic mutation (also known as c.1571G>A), located in coding exon 9 of the ATM gene, results from a G to A substitution at nucleotide position 1571. This changes the amino acid from a tryptophan to a stop codon within coding exon 9. This variant has been identified in conjunction with another ATM variant in an individual who met clinical criteria for ataxia telangiectasia (Suspitsin E et al. Eur J Med Genet, 2020 Jan;63:103630). This variant is considered to be rare based on population cohorts in the Genome Aggregation Database (gnomAD). This alteration is expected to result in loss of function by premature protein truncation or nonsense-mediated mRNA decay. As such, this alteration is interpreted as a disease-causing mutation.

Labcorp Genetics (formerly Invitae), Labcorp
Classification: Pathogenic for Ataxia-telangiectasia syndrome. Last evaluated: 2021-01-12. Review status: criteria provided, single submitter. Criteria: Invitae Variant Classification Sherloc (09022015). Collection method: clinical testing. Allele origin: germline.
Comment: For these reasons, this variant has been classified as Pathogenic. This variant has been observed in individual(s) with ataxia-telangiectasia (PMID: 30772474). This variant is not present in population databases (ExAC no frequency). This sequence change creates a premature translational stop signal (p.Trp524*) in the ATM gene. It is expected to result in an absent or disrupted protein product. Loss-of-function variants in ATM are known to be pathogenic (PMID: 23807571, 25614872).

Literature cited by the submitters: PubMed 30772474 (cited by Ambry Genetics and Labcorp Genetics (formerly Invitae), Labcorp); PubMed 23807571 (cited by Labcorp Genetics (formerly Invitae), Labcorp); PubMed 25614872 (cited by Labcorp Genetics (formerly Invitae), Labcorp).